The following is an entry in ClinVar:

NM_033380.3(COL4A5):c.3773G>A (p.Gly1258Asp)

Gene: COL4A5 (collagen type IV alpha 5 chain; plus strand). Cytogenetic location: Xq22.3.
Variant type: single nucleotide variant.
Coding change: c.3773G>A on transcript NM_033380.3 (MANE Select); coding-DNA position 3773, G replaced by A.
Protein change: p.Gly1258Asp; replaces glycine 1258 with aspartic acid.
Molecular consequence: missense variant.
Genome position (GRCh38, 1-based): chrX:108,668,487, G>A. VCF-style: chrX-108668487-G-A. GRCh37 (hg19) VCF-style: chrX-107911717-G-A.
Other names: c.3773G>A, p.Gly1258Asp (NM_000495.5); short protein forms G1258D.
Identifiers: ClinVar variation 2706610 (VCV002706610.3), dbSNP rs2524576103, ClinGen allele CA413849120.

ClinVar aggregate classification (germline): Likely pathogenic (1 of 4 stars; one submission).

Submission:

Labcorp Genetics (formerly Invitae), Labcorp
Classification: Likely pathogenic. Last evaluated: 2024-07-09. Review status: criteria provided, single submitter. Criteria: Invitae Variant Classification Sherloc (09022015). Collection method: clinical testing. Allele origin: germline.
Comment: This sequence change replaces glycine, which is neutral and non-polar, with aspartic acid, which is acidic and polar, at codon 1258 of the COL4A5 protein (p.Gly1258Asp). This variant is not present in population databases (gnomAD no frequency). This missense change has been observed in individual(s) with Alport syndrome (Invitae). Advanced modeling of protein sequence and biophysical properties (such as structural, functional, and spatial information, amino acid conservation, physicochemical variation, residue mobility, and thermodynamic stability) performed at Invitae indicates that this missense variant is expected to disrupt COL4A5 protein function with a positive predictive value of 95%. This variant disrupts the triple helix domain of COL4A5. Glycine residues within the Gly-Xaa-Yaa repeats of the triple helix domain are required for the structure and stability of fibrillar collagens (PMID: 7695699, 8218237, 19344236). In COL4A5, missense variants at these glycine residues are significantly enriched in individuals with disease (PMID: 23720012, 27627812) compared to the general population (ExAC). This variant disrupts the p.Gly1258 amino acid residue in COL4A5. Other variant(s) that disrupt this residue have been observed in individuals with COL4A5-related conditions (PMID: 36553470; Invitae), which suggests that this may be a clinically significant amino acid residue. In summary, the currently available evidence indicates that the variant is pathogenic, but additional data are needed to prove that conclusively. Therefore, this variant has been classified as Likely Pathogenic.

Literature cited by the submitters: PubMed 7695699; PubMed 8218237; PubMed 19344236; PubMed 23720012; PubMed 27627812; PubMed 36553470.